The following is an entry in ClinVar:

NM_152296.5(ATP1A3):c.2509G>A (p.Glu837Lys)

Gene: ATP1A3 (ATPase Na+/K+ transporting subunit alpha 3; minus strand). Cytogenetic location: 19q13.2.
Variant type: single nucleotide variant.
Coding change: c.2509G>A on transcript NM_152296.5 (MANE Select); coding-DNA position 2509, G replaced by A.
Protein change: p.Glu837Lys; replaces glutamic acid 837 with lysine.
Molecular consequence: missense variant.
Genome position (GRCh38, 1-based): chr19:41,970,218, C>T on the plus strand (G>A on the coding strand, the complement: ATP1A3 is on the minus strand). VCF-style: chr19-41970218-C-T. GRCh37 (hg19) VCF-style: chr19-42474370-C-T.
Other names: c.2542G>A, p.Glu848Lys (NM_001256213.2); c.2548G>A, p.Glu850Lys (NM_001256214.2); short protein forms E850K, E837K, E848K.
Identifiers: ClinVar variation 847872 (VCV000847872.8), dbSNP rs2075087967, ClinGen allele CA406038684.
Genomic context (GRCh38, chr19:41,970,218, plus strand): 5'-AAGGAGATGGAGTCCCCGGTGCCTCACCAATCTGCCCGTAGGCCATGCTGATGAGTCTCT[C>T]ATTGACCAATTTGTCCGTCCGCGGGTTCCTGGGCTGTCTCTTCATGATGTCGCTTTCGGC-3'
Protein context (NP_689509.1, residues 827-847): RNPRTDKLVN[Glu837Lys]RLISMAYGQI

ClinVar aggregate classification (germline): Uncertain significance (1 of 4 stars; one submission).

Conditions:
Dystonia 12 (DYT12). Also called: DYT-ATP1A3; Rapid-Onset Dystonia-Parkinsonism (RDP). Identifiers: Orphanet 71517, MedGen C1868681, MONDO:0007496, OMIM 128235.

Allele frequency attached by ClinVar (database versions not stated): gnomAD exomes below 0.00001.
gnomAD v4.1: 2 of 1,614,244 alleles (0.00012%); highest among the groups gnomAD compares: Non-Finnish European, 0.00017%; no homozygotes.

Submission:

Labcorp Genetics (formerly Invitae), Labcorp
Classification: Uncertain significance for Dystonia 12. Last evaluated: 2019-05-08. Review status: criteria provided, single submitter. Criteria: Invitae Variant Classification Sherloc (09022015). Collection method: clinical testing. Allele origin: germline.
Comment: In summary, the available evidence is currently insufficient to determine the role of this variant in disease. Therefore, it has been classified as a Variant of Uncertain Significance. Algorithms developed to predict the effect of missense changes on protein structure and function are either unavailable or do not agree on the potential impact of this missense change (SIFT: "Deleterious"; PolyPhen-2: "Benign"; Align-GVGD: "Class C0"). This variant has not been reported in the literature in individuals with ATP1A3-related conditions. This variant is not present in population databases (ExAC no frequency). This sequence change replaces glutamic acid with lysine at codon 837 of the ATP1A3 protein (p.Glu837Lys). The glutamic acid residue is moderately conserved and there is a small physicochemical difference between glutamic acid and lysine.